The following is an entry in ClinVar:

NM_014679.5(CEP57):c.1208C>T (p.Ala403Val)

Gene: CEP57 (centrosomal protein 57; plus strand). Cytogenetic location: 11q21.
Variant type: single nucleotide variant.
Coding change: c.1208C>T on transcript NM_014679.5 (MANE Select); coding-DNA position 1208, C replaced by T.
Protein change: p.Ala403Val; replaces alanine 403 with valine.
Molecular consequence: missense variant.
Genome position (GRCh38, 1-based): chr11:95,829,267, C>T. VCF-style: chr11-95829267-C-T. GRCh37 (hg19) VCF-style: chr11-95562431-C-T.
Other names: c.1181C>T, p.Ala394Val (NM_001243776.2); c.1130C>T, p.Ala377Val (NM_001243777.2); c.1127C>T, p.Ala376Val (NM_001363604.2); short protein forms A377V, A403V, A376V, A394V.
Identifiers: ClinVar variation 1466210 (VCV001466210.8), dbSNP rs898167932, ClinGen allele CA382408867.

ClinVar aggregate classification (germline): Uncertain significance (1 of 4 stars; one submission).

Conditions:
Mosaic variegated aneuploidy syndrome 2 (MVA2). Identifiers: Orphanet 1052, MedGen C3279843, MONDO:0013582, OMIM 614114.

Submission:

Labcorp Genetics (formerly Invitae), Labcorp
Classification: Uncertain significance for Mosaic variegated aneuploidy syndrome 2. Last evaluated: 2021-03-27. Review status: criteria provided, single submitter. Criteria: Invitae Variant Classification Sherloc (09022015). Collection method: clinical testing. Allele origin: germline.
Comment: This sequence change replaces alanine with valine at codon 403 of the CEP57 protein (p.Ala403Val). The alanine residue is highly conserved and there is a small physicochemical difference between alanine and valine. This variant is not present in population databases (ExAC no frequency). This variant has not been reported in the literature in individuals with CEP57-related conditions. Algorithms developed to predict the effect of missense changes on protein structure and function are either unavailable or do not agree on the potential impact of this missense change (SIFT: "Tolerated"; PolyPhen-2: "Possibly Damaging"; Align-GVGD: "Class C0"). Algorithms developed to predict the effect of sequence changes on RNA splicing suggest that this variant may create or strengthen a splice site, but this prediction has not been confirmed by published transcriptional studies. In summary, the available evidence is currently insufficient to determine the role of this variant in disease. Therefore, it has been classified as a Variant of Uncertain Significance.